The following is an entry in ClinVar:

NM_000089.4(COL1A2):c.2673+1_2673+3del

Gene: COL1A2 (collagen type I alpha 2 chain; plus strand). Cytogenetic location: 7q21.3.
Variant type: Microsatellite.
Coding change: c.2673+1_2673+3del on transcript NM_000089.4 (MANE Select); the canonical splice donor site of the intron after coding-DNA position 2673 through 3 bases into the intron after coding-DNA position 2673, 3 bases deleted (GTG; older notation c.2673+1_2673+3delGTG).
Molecular consequence: splice donor variant.
Genome position (GRCh38, 1-based): chr7:94,424,444-94,424,446, GTG deleted; deleting any 3 consecutive bases within chr7:94,424,441-94,424,446 gives the same sequence; the c. name uses the placement nearest the transcript's 3' end. VCF-style (leftmost placement, unchanged base first): chr7-94424440-TGTG-T. GRCh37 (hg19) VCF-style: chr7-94053752-TGTG-T.
Identifiers: ClinVar variation 5019437 (VCV005019437.2).

ClinVar aggregate classification (germline): Uncertain significance (1 of 4 stars; one submission).

Conditions:
Osteogenesis imperfecta, perinatal lethal (OI2). Also called: OSTEOGENESIS IMPERFECTA, TYPE II; Osteogenesis imperfecta, dominant perinatal lethal; OI, TYPE II; OSTEOGENESIS IMPERFECTA CONGENITA; Osteogenesis imperfecta type 2; VROLIK TYPE OF OSTEOGENESIS IMPERFECTA. Identifiers: Orphanet 216804, MedGen C0268358, MONDO:0008147, OMIM 166210.
Osteogenesis imperfecta type III (OI3). Also called: Osteogenesis imperfecta type 3; OI type 3; Osteogenesis imperfecta, progressively deforming with normal sclerae; OI type III; Progressively Deforming Osteogenesis Imperfecta. Identifiers: Orphanet 216812, Orphanet 666, MedGen C0268362, MONDO:0009804, OMIM 259420.
Osteogenesis imperfecta with normal sclerae, dominant form (OI4). Also called: OSTEOGENESIS IMPERFECTA WITH NORMAL SCLERAE; Osteogenesis imperfecta type 4; OSTEOGENESIS IMPERFECTA, TYPE IV, WITH DENTINOGENESIS IMPERFECTA; Osteogenesis Imperfecta Type IV; Common Variable Osteogenesis Imperfecta with Normal Sclerae. Identifiers: Orphanet 216820, Orphanet 666, MedGen C0268363, MONDO:0008148, OMIM 166220.

Submission:

Juno Genomics, Hangzhou Juno Genomics, Inc
Classification: Uncertain significance for Osteogenesis imperfecta, perinatal lethal; Osteogenesis imperfecta type III; Osteogenesis imperfecta with normal sclerae, dominant form. Review status: criteria provided, single submitter. Criteria: ACMG Guidelines, 2015. Collection method: clinical testing. Allele origin: germline.
Comment: Absent from controls (or at extremely low frequency if recessive) in Genome Aggregation Database.;Null variant in a gene where loss of function (LOF) is a known mechanism of disease.